The following is an entry in ClinVar:

NM_002427.4(MMP13):c.403G>C (p.Glu135Gln)

Gene: MMP13 (matrix metallopeptidase 13; minus strand). Cytogenetic location: 11q22.2.
Variant type: single nucleotide variant.
Coding change: c.403G>C on transcript NM_002427.4 (MANE Select); coding-DNA position 403, G replaced by C.
Protein change: p.Glu135Gln; replaces glutamic acid 135 with glutamine.
Molecular consequence: missense variant.
Genome position (GRCh38, 1-based): chr11:102,954,566, C>G on the plus strand (G>C on the coding strand, the complement: MMP13 is on the minus strand). VCF-style: chr11-102954566-C-G. GRCh37 (hg19) VCF-style: chr11-102825295-C-G.
Other names: c.403G>C (NM_002427.3); short protein forms E135Q.
Identifiers: ClinVar variation 1051448 (VCV001051448.10), dbSNP rs759134930, ClinGen allele CA6251993.

ClinVar aggregate classification (germline): Uncertain significance. Review status: criteria provided, multiple submitters, no conflicts (2 of 4 stars). 2 submissions from 2 submitters: Uncertain significance (2). Last evaluated 2024-09-24.

gnomAD v4.1: 164 of 1,613,382 alleles (0.01%); highest among the groups gnomAD compares: Non-Finnish European, 0.014%; no homozygotes.

Submissions (2):

Ambry Genetics
Classification: Uncertain significance. Last evaluated: 2024-09-24. Review status: criteria provided, single submitter. Criteria: Ambry Variant Classification Scheme 2023. Collection method: clinical testing. Allele origin: germline.

Labcorp Genetics (formerly Invitae), Labcorp
Classification: Uncertain significance. Last evaluated: 2024-03-11. Review status: criteria provided, single submitter. Criteria: Invitae Variant Classification Sherloc (09022015). Collection method: clinical testing. Allele origin: germline.
Comment: This sequence change replaces glutamic acid, which is acidic and polar, with glutamine, which is neutral and polar, at codon 135 of the MMP13 protein (p.Glu135Gln). This variant is present in population databases (rs759134930, gnomAD 0.009%). This variant has not been reported in the literature in individuals affected with MMP13-related conditions. ClinVar contains an entry for this variant (Variation ID: 1051448). Advanced modeling of protein sequence and biophysical properties (such as structural, functional, and spatial information, amino acid conservation, physicochemical variation, residue mobility, and thermodynamic stability) performed at Invitae indicates that this missense variant is not expected to disrupt MMP13 protein function with a negative predictive value of 80%. In summary, the available evidence is currently insufficient to determine the role of this variant in disease. Therefore, it has been classified as a Variant of Uncertain Significance.